The following is an entry in ClinVar:

ClinVar aggregate classification (germline): Pathogenic. Review status: criteria provided, multiple submitters, no conflicts (2 of 4 stars). 5 submissions from 5 submitters: Pathogenic (4). 1 of the submissions does not count toward it. Last evaluated 2024-06-03.

Conditions:
DE SANCTIS-CACCHIONE SYNDROME. Identifiers: MedGen C0265201, MONDO:0010217, OMIM 278800.
Cerebrooculofacioskeletal syndrome 1 (COFS1). Also called: Cerebro-oculo-facio-skeletal syndrome 1. Identifiers: MedGen C0220722, MONDO:0008955, OMIM 214150.
Cockayne syndrome type 2 (CSB). Also called: COCKAYNE SYNDROME B; Cockayne Syndrome, Type II. Identifiers: Orphanet 191, Orphanet 90322, MedGen C0751038, MONDO:0019570, OMIM 133540.

Submissions (5):

Women's Health and Genetics/Laboratory Corporation of America, LabCorp
Classification: Pathogenic for Cerebrooculofacioskeletal syndrome 1. Last evaluated: 2024-06-03. Review status: criteria provided, single submitter. Criteria: LabCorp Variant Classification Summary - May 2015. Collection method: clinical testing. Allele origin: germline.
Comment: Variant summary: ERCC6 c.3607_3608ins26 (p.Lys1203ArgfsX33) results in a premature termination codon, predicted to cause absence of the protein due to nonsense mediated decay, which is a commonly known mechanism for disease. The variant was absent in 251446 control chromosomes. c.3607_3608ins26 has been reported in the literature in at-least one individual affected with Cerebrooculofacioskeletal Syndrome 1 (Mallery_1998). These data indicate that the variant may be associated with disease. To our knowledge, no experimental evidence demonstrating an impact on protein function has been reported. The following publication have been ascertained in the context of this evaluation (PMID: 9443879). ClinVar contains an entry for this variant (Variation ID: 190168). Based on the evidence outlined above, the variant was classified as pathogenic.

Labcorp Genetics (formerly Invitae), Labcorp
Classification: Pathogenic. Last evaluated: 2023-04-20. Review status: criteria provided, single submitter. Criteria: Invitae Variant Classification Sherloc (09022015). Collection method: clinical testing. Allele origin: germline.
Comment: This premature translational stop signal has been observed in individual(s) with Cockayne syndrome (PMID: 9443879, 19894250). For these reasons, this variant has been classified as Pathogenic. ClinVar contains an entry for this variant (Variation ID: 190168). This variant is not present in population databases (gnomAD no frequency). This sequence change creates a premature translational stop signal (p.Lys1203Argfs*33) in the ERCC6 gene. It is expected to result in an absent or disrupted protein product. Loss-of-function variants in ERCC6 are known to be pathogenic (PMID: 18628313, 29572252).

CeGaT Center for Human Genetics Tuebingen
Classification: Pathogenic. Last evaluated: 2018-12-01. Review status: criteria provided, single submitter. Criteria: CeGaT Center For Human Genetics Tuebingen Variant Classification Criteria Version 2. Collection method: clinical testing. Allele origin: germline. Affected: yes. Observed: 1 variant allele.

Claritas Genomics
Classification: Pathogenic for Cockayne syndrome, type B. Last evaluated: 2011-07-15. Review status: criteria provided, single submitter. Criteria: ACMG Guidelines, 2007. Collection method: clinical testing. Allele origin: germline. Inheritance: Autosomal recessive inheritance.

Counsyl
Classification: Likely pathogenic for Cockayne syndrome type 2; Cerebrooculofacioskeletal syndrome 1; DE SANCTIS-CACCHIONE SYNDROME. Last evaluated: 2017-12-06. Review status: no assertion criteria provided. Collection method: clinical testing. Allele origin: unknown. Not counted in ClinVar's aggregate classification.

Literature cited by the submitters: PubMed 9443879 (cited by 3 submitters); PubMed 19894250 (cited by Labcorp Genetics (formerly Invitae), Labcorp); PubMed 18628313 (cited by Labcorp Genetics (formerly Invitae), Labcorp); PubMed 29572252 (cited by Labcorp Genetics (formerly Invitae), Labcorp).

NM_000124.4(ERCC6):c.3607_3608insGGGCTGGCTGCTTAAGGTCCACCTTA (p.Lys1203fs)

Gene: ERCC6 (ERCC excision repair 6, chromatin remodeling factor; minus strand). Cytogenetic location: 10q11.23.
Variant type: Insertion.
Coding change: c.3607_3608insGGGCTGGCTGCTTAAGGTCCACCTTA on transcript NM_000124.4 (MANE Select); coding-DNA positions 3607 to 3608, GGGCTGGCTGCTTAAGGTCCACCTTA inserted.
Protein change: p.Lys1203fs; shifts the reading frame from lysine 1203.
Molecular consequence: frameshift variant.
Genome position: GRCh38 VCF-style: chr10-49470352-T-TTAAGGTGGACCTTAAGCAGCCAGCCC. GRCh37 (hg19) VCF-style: chr10-50678398-T-TTAAGGTGGACCTTAAGCAGCCAGCCC.
Other names: c.3607_3608insGGGCTGGCTGCTTAAGGTCCACCTTA, p.Lys1203fs (NM_001346440.2); short protein forms K1203fs.
Identifiers: ClinVar variation 190168 (VCV000190168.51), dbSNP rs786205172, ClinGen allele CA274708.